The following is an entry in ClinVar:

NM_000051.4(ATM):c.3544G>A (p.Glu1182Lys)

Gene: ATM (ATM serine/threonine kinase; plus strand). Cytogenetic location: 11q22.3.
Variant type: single nucleotide variant.
Coding change: c.3544G>A on transcript NM_000051.4 (MANE Select); coding-DNA position 3544, G replaced by A.
Protein change: p.Glu1182Lys; replaces glutamic acid 1182 with lysine.
Molecular consequence: missense variant.
Genome position (GRCh38, 1-based): chr11:108,281,136, G>A. VCF-style: chr11-108281136-G-A. GRCh37 (hg19) VCF-style: chr11-108151863-G-A.
Other names: c.3544G>A, p.Glu1182Lys (NM_001351834.2); short protein forms E1182K.
Identifiers: ClinVar variation 1732515 (VCV001732515.2), dbSNP rs377349886, ClinGen allele CA382520335.

ClinVar aggregate classification (germline): Uncertain significance (1 of 4 stars; one submission).

Conditions:
Hereditary cancer-predisposing syndrome. Also called: Neoplastic Syndromes, Hereditary; Tumor predisposition; Hereditary Cancer Syndrome; Hereditary neoplastic syndrome. Identifiers: Orphanet 140162, MedGen C0027672, MeSH D009386, MONDO:0015356.

Submission:

Ambry Genetics
Classification: Uncertain significance for Hereditary cancer-predisposing syndrome. Last evaluated: 2021-07-12. Review status: criteria provided, single submitter. Criteria: Ambry Variant Classification Scheme 2023. Collection method: clinical testing. Allele origin: germline.
Comment: The p.E1182K variant (also known as c.3544G>A), located in coding exon 23 of the ATM gene, results from a G to A substitution at nucleotide position 3544. The glutamic acid at codon 1182 is replaced by lysine, an amino acid with similar properties. This amino acid position is conserved. In addition, the in silico prediction for this alteration is inconclusive. Since supporting evidence is limited at this time, the clinical significance of this alteration remains unclear.